The following is an entry in ClinVar:

ClinVar aggregate classification (germline): Uncertain significance. Review status: criteria provided, multiple submitters, no conflicts (2 of 4 stars). 3 submissions from 3 submitters: Uncertain significance (3). Last evaluated 2026-03-16.

Conditions:
Inborn genetic diseases. Identifiers: MedGen C0950123, MeSH D030342.

Allele frequency attached by ClinVar (database versions not stated): gnomAD exomes 0.00002; ESP Exome Variant Server 0.00008.
gnomAD v4.1: 40 of 1,608,340 alleles (0.0025%); highest among the groups gnomAD compares: African/African-American, 0.016%; no homozygotes.

Submissions (3):

Women's Health and Genetics/Laboratory Corporation of America, LabCorp
Classification: Uncertain significance. Last evaluated: 2026-03-16. Review status: criteria provided, single submitter. Criteria: LabCorp Variant Classification Summary - May 2015. Collection method: clinical testing. Allele origin: germline.
Comment: Variant summary: LMX1B c.184C>T (p.Pro62Ser) results in a non-conservative amino acid change in the encoded protein sequence. Algorithms developed to predict the effect of missense changes on protein structure and function all suggest that this variant is likely to be disruptive. The variant allele was found at a frequency of 4.1e-06 in 244252 control chromosomes. The available data on variant occurrences in the general population are insufficient to allow any conclusion about variant significance. To our knowledge, no occurrence of c.184C>T in individuals affected with LMX1B-related conditions and no experimental evidence demonstrating its impact on protein function have been reported. ClinVar contains an entry for this variant (Variation ID: 2520898). Based on the evidence outlined above, the variant was classified as uncertain significance.

Ambry Genetics
Classification: Uncertain significance for Inborn genetic diseases. Last evaluated: 2025-08-25. Review status: criteria provided, single submitter. Criteria: Ambry Variant Classification Scheme 2023. Collection method: clinical testing. Allele origin: germline.

Labcorp Genetics (formerly Invitae), Labcorp
Classification: Uncertain significance. Last evaluated: 2024-10-22. Review status: criteria provided, single submitter. Criteria: Invitae Variant Classification Sherloc (09022015). Collection method: clinical testing. Allele origin: germline.
Comment: This sequence change replaces proline, which is neutral and non-polar, with serine, which is neutral and polar, at codon 62 of the LMX1B protein (p.Pro62Ser). This variant is present in population databases (rs371293980, gnomAD 0.02%). This variant has not been reported in the literature in individuals affected with LMX1B-related conditions. ClinVar contains an entry for this variant (Variation ID: 2520898). Invitae Evidence Modeling of protein sequence and biophysical properties (such as structural, functional, and spatial information, amino acid conservation, physicochemical variation, residue mobility, and thermodynamic stability) indicates that this missense variant is not expected to disrupt LMX1B protein function with a negative predictive value of 80%. In summary, the available evidence is currently insufficient to determine the role of this variant in disease. Therefore, it has been classified as a Variant of Uncertain Significance.

NM_001174147.2(LMX1B):c.184C>T (p.Pro62Ser)

Gene: LMX1B (LIM homeobox transcription factor 1 beta; plus strand). Cytogenetic location: 9q33.3.
Variant type: single nucleotide variant.
Coding change: c.184C>T on transcript NM_001174147.2 (MANE Select); coding-DNA position 184, C replaced by T.
Protein change: p.Pro62Ser; replaces proline 62 with serine.
Molecular consequence: missense variant.
Genome position (GRCh38, 1-based): chr9:126,615,427, C>T. VCF-style: chr9-126615427-C-T. GRCh37 (hg19) VCF-style: chr9-129377706-C-T.
Other names: c.184C>T, p.Pro62Ser (NM_001174146.2, NM_002316.4); short protein forms P62S.
Identifiers: ClinVar variation 2520898 (VCV002520898.6), dbSNP rs371293980, ClinGen allele CA5242246.
Genomic context (GRCh38, chr9:126,615,427, plus strand): 5'-GCCCTGTGCGCTACAGGCTCCGACTGCCCGCATCCCGCCGTCTGCGAGGGCTGCCAGCGG[C>T]CCATCTCCGACCGCTTCCTGATGCGAGTCAACGAGTCGTCCTGGCACGAGGAGTGTTTGC-3'
Protein context (NP_001167618.1, residues 52-72): HPAVCEGCQR[Pro62Ser]ISDRFLMRVN